The following is an entry in ClinVar:

ClinVar aggregate classification (germline): Uncertain significance. Review status: criteria provided, single submitter (1 of 4 stars). 2 submissions from 2 submitters: Uncertain significance (1). 1 of the submissions does not count toward it. Last evaluated 2020-11-25.

Conditions:
PRKD1-related disorder. Also called: PRKD1-related condition.

Allele frequency attached by ClinVar (database versions not stated): gnomAD exomes below 0.00001.
gnomAD v4.1: 1 of 1,592,630 alleles (0.000063%); highest among the groups gnomAD compares: South Asian, 0.0011%; no homozygotes.

Submissions (2):

Blueprint Genetics
Classification: Uncertain significance. Last evaluated: 2020-11-25. Review status: criteria provided, single submitter. Criteria: ACMG Guidelines, 2015. Collection method: clinical testing. Allele origin: germline.

PreventionGenetics, part of Exact Sciences
Classification: Uncertain significance for PRKD1-related condition. Last evaluated: 2024-02-08. Review status: no assertion criteria provided. Collection method: clinical testing. Allele origin: germline. Not counted in ClinVar's aggregate classification.
Comment: The PRKD1 c.1832G>T variant is predicted to result in the amino acid substitution p.Arg611Leu. To our knowledge, this variant has been reported in the literature as a de novo variant in one patient with congenital heart defects, ectodermal dysplasia, and dysmorphic features (described as p.Arg603Leu in Alghaith et al. 2023. PubMed ID: 36308391). This variant is absent from the gnomAD v2 population database, indicating this variant is rare. This variant is present in the heterozygous state in one patient in the most recent version of gnomAD (v4). A different de novo missense variant affecting this amino acid has been reported in a patient with telangiectasia, ectodermal dysplasia, brachydactyly and congenital heart disease (described as p.Arg603His in Alter et al. 2021. PubMed ID: 32817298). Although we suspect that the c.1532G>T variant may be pathogenic, at this time, the clinical significance of this variant is uncertain due to the absence of conclusive functional and genetic evidence.

NM_002742.3(PRKD1):c.1808G>T (p.Arg603Leu)

Gene: PRKD1 (protein kinase D1; minus strand). Cytogenetic location: 14q12.
Variant type: single nucleotide variant.
Coding change: c.1808G>T on transcript NM_002742.3 (MANE Select); coding-DNA position 1808, G replaced by T.
Protein change: p.Arg603Leu; replaces arginine 603 with leucine.
Molecular consequence: missense variant.
Genome position (GRCh38, 1-based): chr14:29,624,249, C>A on the plus strand (G>T on the coding strand, the complement: PRKD1 is on the minus strand). VCF-style: chr14-29624249-C-A. GRCh37 (hg19) VCF-style: chr14-30093455-C-A.
Other names: c.1832G>T, p.Arg611Leu (NM_001330069.2); c.1544G>T, p.Arg515Leu (NM_001348390.1); short protein forms R515L, R603L, R611L.
Identifiers: ClinVar variation 3055507 (VCV003055507.3), dbSNP rs776034417, ClinGen allele CA389333746.